The following is an entry in ClinVar:

NM_198253.3(TERT):c.233A>G (p.Lys78Arg)

Genes: TERT (telomerase reverse transcriptase; minus strand), LOC110806263 (TERT 5' regulatory region; plus strand). Cytogenetic location: 5p15.33.
Variant type: single nucleotide variant.
Coding change: c.233A>G on transcript NM_198253.3 (MANE Select); coding-DNA position 233, A replaced by G.
Protein change: p.Lys78Arg; replaces lysine 78 with arginine.
Molecular consequence: missense variant. On other transcripts: non-coding transcript variant (2).
Genome position (GRCh38, 1-based): chr5:1,294,653, T>C on the plus strand (A>G on the coding strand, the complement: TERT is on the minus strand). VCF-style: chr5-1294653-T-C. GRCh37 (hg19) VCF-style: chr5-1294768-T-C.
Other names: c.233A>G, p.Lys78Arg (NM_001193376.3, NM_003219.1); short protein forms K78R.
Identifiers: ClinVar variation 2943198 (VCV002943198.3), dbSNP rs2478430862, ClinGen allele CA359058703.
Genomic context (GRCh38, chr5:1,294,653, plus strand): 5'-GCCAGCACGTTCTTCGCGCCGCGCTCGCACAGCCTCTGCAGCACTCGGGCCACCAGCTCC[T>C]TCAGGCAGGACACCTGCGGGGGAAGCGCCCTGAGTCGCCTGCGCTGCTCTCCGCATGTCG-3'
Protein context (NP_937983.2, residues 68-88): APSFRQVSCL[Lys78Arg]ELVARVLQRL

ClinVar aggregate classification (germline): Uncertain significance (1 of 4 stars; one submission).

Conditions:
Idiopathic Pulmonary Fibrosis. Also called: Idiopathic fibrosing alveolitis, chronic form; idiopathic fibrosing alveolitis. Identifiers: Orphanet 2032, MedGen C1800706, MeSH D054990, MONDO:0800504.
Dyskeratosis congenita, autosomal dominant 2. Identifiers: MedGen C3151443, MONDO:0013521, OMIM 613989.

Submission:

Labcorp Genetics (formerly Invitae), Labcorp
Classification: Uncertain significance for Dyskeratosis congenita, autosomal dominant 2; Idiopathic Pulmonary Fibrosis. Last evaluated: 2023-04-12. Review status: criteria provided, single submitter. Criteria: Invitae Variant Classification Sherloc (09022015). Collection method: clinical testing. Allele origin: germline.
Comment: This sequence change replaces lysine, which is basic and polar, with arginine, which is basic and polar, at codon 78 of the TERT protein (p.Lys78Arg). This variant is not present in population databases (gnomAD no frequency). This variant has not been reported in the literature in individuals affected with TERT-related conditions. Advanced modeling of protein sequence and biophysical properties (such as structural, functional, and spatial information, amino acid conservation, physicochemical variation, residue mobility, and thermodynamic stability) performed at Invitae indicates that this missense variant is expected to disrupt TERT protein function. In summary, the available evidence is currently insufficient to determine the role of this variant in disease. Therefore, it has been classified as a Variant of Uncertain Significance.